The following is an entry in ClinVar:

NM_032040.5(CCDC8):c.1501C>T (p.Arg501Trp)

Gene: CCDC8 (coiled-coil domain containing 8; minus strand). Cytogenetic location: 19q13.32.
Variant type: single nucleotide variant.
Coding change: c.1501C>T on transcript NM_032040.5 (MANE Select); coding-DNA position 1501, C replaced by T.
Protein change: p.Arg501Trp; replaces arginine 501 with tryptophan.
Molecular consequence: missense variant.
Genome position (GRCh38, 1-based): chr19:46,411,310, G>A on the plus strand (C>T on the coding strand, the complement: CCDC8 is on the minus strand). VCF-style: chr19-46411310-G-A. GRCh37 (hg19) VCF-style: chr19-46914567-G-A.
Other names: c.1501C>T (NM_032040.3); short protein forms R501W.
Identifiers: ClinVar variation 1522571 (VCV001522571.7), dbSNP rs543276848, ClinGen allele CA9528469.

ClinVar aggregate classification (germline): Uncertain significance. Review status: criteria provided, multiple submitters, no conflicts (2 of 4 stars). 2 submissions from 2 submitters: Uncertain significance (2). Last evaluated 2024-10-16.

Conditions:
Inborn genetic diseases. Identifiers: MedGen C0950123, MeSH D030342.

Allele frequency attached by ClinVar (database versions not stated): gnomAD exomes 0.00006; 1000 Genomes Project 30x 0.00016; gnomAD 0.00001; TOPMed 0.00001.

Submissions (2):

Labcorp Genetics (formerly Invitae), Labcorp
Classification: Uncertain significance. Last evaluated: 2024-10-16. Review status: criteria provided, single submitter. Criteria: Invitae Variant Classification Sherloc (09022015). Collection method: clinical testing. Allele origin: germline.
Comment: This sequence change replaces arginine, which is basic and polar, with tryptophan, which is neutral and slightly polar, at codon 501 of the CCDC8 protein (p.Arg501Trp). This variant is present in population databases (rs543276848, gnomAD 0.02%). This variant has not been reported in the literature in individuals affected with CCDC8-related conditions. ClinVar contains an entry for this variant (Variation ID: 1522571). An algorithm developed to predict the effect of missense changes on protein structure and function (PolyPhen-2) suggests that this variant is likely to be disruptive. In summary, the available evidence is currently insufficient to determine the role of this variant in disease. Therefore, it has been classified as a Variant of Uncertain Significance.

Ambry Genetics
Classification: Uncertain significance for Inborn genetic diseases. Last evaluated: 2023-05-24. Review status: criteria provided, single submitter. Criteria: Ambry Variant Classification Scheme 2023. Collection method: clinical testing. Allele origin: germline.